The following is an entry in ClinVar:

NM_021922.3(FANCE):c.1509+3G>A

Gene: FANCE (FA complementation group E; plus strand). Cytogenetic location: 6p21.31.
Variant type: single nucleotide variant.
Coding change: c.1509+3G>A on transcript NM_021922.3 (MANE Select); 3 bases into the intron after coding-DNA position 1509, G replaced by A.
Molecular consequence: intron variant.
Genome position (GRCh38, 1-based): chr6:35,462,917, G>A. VCF-style: chr6-35462917-G-A. GRCh37 (hg19) VCF-style: chr6-35430694-G-A.
Identifiers: ClinVar variation 579158 (VCV000579158.5), dbSNP rs773938335, ClinGen allele CA3771730.

ClinVar aggregate classification (germline): Uncertain significance (1 of 4 stars; one submission).

Conditions:
Fanconi anemia complementation group E (FANCE). Also called: FANCE-Related Fanconi Anemia. Identifiers: Orphanet 84, MedGen C3160739, MONDO:0010953, OMIM 600901.

Allele frequency attached by ClinVar (database versions not stated): gnomAD exomes below 0.00001; ExAC 0.00001.
gnomAD v4.1: 3 of 1,614,166 alleles (0.00019%); highest among the groups gnomAD compares: Admixed American, 0.0033%; no homozygotes.

Submission:

Labcorp Genetics (formerly Invitae), Labcorp
Classification: Uncertain significance for Fanconi anemia complementation group E. Last evaluated: 2018-04-01. Review status: criteria provided, single submitter. Criteria: Invitae Variant Classification Sherloc (09022015). Collection method: clinical testing. Allele origin: germline.
Comment: Nucleotide substitutions within the consensus splice site are a relatively common cause of aberrant splicing (PMID: 17576681, 9536098). Algorithms developed to predict the effect of sequence changes on RNA splicing suggest that this variant is not likely to affect RNA splicing, but this prediction has not been confirmed by published transcriptional studies. This variant has not been reported in the literature in individuals with FANCE-related disease. This variant is present in population databases (rs773938335, ExAC 0.009%). This sequence change falls in intron 9 of the FANCE gene. It does not directly change the encoded amino acid sequence of the FANCE protein, but it affects a nucleotide within the consensus splice site of the intron. In summary, the available evidence is currently insufficient to determine the role of this variant in disease. Therefore, it has been classified as a Variant of Uncertain Significance.

Literature cited by the submitters: PubMed 17576681; PubMed 9536098.